The following is an entry in ClinVar:

ClinVar aggregate classification (germline): Likely benign. Review status: criteria provided, multiple submitters, no conflicts (2 of 4 stars). 2 submissions from 2 submitters: Likely benign (2). Last evaluated 2026-02-03.

Conditions:
VPS13B-related disorder. Also called: VPS13B-related condition.
Cohen syndrome (COH1). Also called: PEPPER SYNDROME; Cutis verticis gyrata, retinitis pigmentosa, and sensorineural deafness. Identifiers: Orphanet 193, MedGen C0265223, MONDO:0008999, OMIM 216550.

gnomAD v4.1: 2 of 1,614,150 alleles (0.00012%); highest among the groups gnomAD compares: East Asian, 0.0022%; no homozygotes.

Submissions (2):

PreventionGenetics, part of Exact Sciences
Classification: Likely benign for VPS13B-related condition. Last evaluated: 2026-02-03. Review status: criteria provided, single submitter. Criteria: ACMG Guidelines, 2015. Collection method: clinical testing. Allele origin: germline.
Comment: This variant is classified as likely benign based on ACMG/AMP sequence variant interpretation guidelines (Richards et al. 2015 PMID: 25741868, with internal and published modifications).

Labcorp Genetics (formerly Invitae), Labcorp
Classification: Likely benign for Cohen syndrome. Last evaluated: 2023-01-01. Review status: criteria provided, single submitter. Criteria: Invitae Variant Classification Sherloc (09022015). Collection method: clinical testing. Allele origin: germline.

NM_152564.5(VPS13B):c.10959G>C (p.Pro3653=)

Gene: VPS13B (vacuolar protein sorting 13 homolog B; plus strand). Cytogenetic location: 8q22.2.
Variant type: single nucleotide variant.
Coding change: c.10959G>C on transcript NM_152564.5 (MANE Select); coding-DNA position 10959, G replaced by C.
Protein change: p.Pro3653=; no amino-acid change (proline 3653 retained).
Molecular consequence: synonymous variant.
Genome position (GRCh38, 1-based): chr8:99,859,395, G>C. VCF-style: chr8-99859395-G-C. GRCh37 (hg19) VCF-style: chr8-100871623-G-C.
Other names: c.11034G>C, p.Pro3678= (NM_017890.5).
Identifiers: ClinVar variation 2823852 (VCV002823852.4), dbSNP rs771022240, ClinGen allele CA462337221.